The following is an entry in ClinVar:

NM_007215.4(POLG2):c.87G>C (p.Gln29His)

Genes: MILR1 (mast cell immunoglobulin like receptor 1; plus strand), POLG2 (DNA polymerase gamma 2, accessory subunit; minus strand). Cytogenetic location: 17q23.3.
Variant type: single nucleotide variant.
Coding change: c.87G>C on transcript NM_007215.4 (MANE Select); coding-DNA position 87, G replaced by C.
Protein change: p.Gln29His; replaces glutamine 29 with histidine.
Molecular consequence: missense variant.
Genome position (GRCh38, 1-based): chr17:64,496,882, C>G on the plus strand (G>C on the coding strand, the complement: POLG2 is on the minus strand). VCF-style: chr17-64496882-C-G. GRCh37 (hg19) VCF-style: chr17-62493000-C-G.
Other names: short protein forms Q29H.
Identifiers: ClinVar variation 1358534 (VCV001358534.6), dbSNP rs2038162496, ClinGen allele CA400641677.

ClinVar aggregate classification (germline): Uncertain significance (1 of 4 stars; one submission).

Submission:

Labcorp Genetics (formerly Invitae), Labcorp
Classification: Uncertain significance. Last evaluated: 2025-04-03. Review status: criteria provided, single submitter. Criteria: Invitae Variant Classification Sherloc (09022015). Collection method: clinical testing. Allele origin: germline.
Comment: This sequence change replaces glutamine, which is neutral and polar, with histidine, which is basic and polar, at codon 29 of the POLG2 protein (p.Gln29His). This variant is not present in population databases (gnomAD no frequency). This variant has not been reported in the literature in individuals affected with POLG2-related conditions. ClinVar contains an entry for this variant (Variation ID: 1358534). An algorithm developed to predict the effect of missense changes on protein structure and function (PolyPhen-2) suggests that this variant is likely to be tolerated. In summary, the available evidence is currently insufficient to determine the role of this variant in disease. Therefore, it has been classified as a Variant of Uncertain Significance.